The following is an entry in ClinVar:

NM_201384.3(PLEC):c.5539C>T (p.Arg1847Trp)

Gene: PLEC (plectin; minus strand). Cytogenetic location: 8q24.3.
Variant type: single nucleotide variant.
Coding change: c.5539C>T on transcript NM_201384.3 (MANE Select); coding-DNA position 5539, C replaced by T.
Protein change: p.Arg1847Trp; replaces arginine 1847 with tryptophan.
Molecular consequence: missense variant.
Genome position (GRCh38, 1-based): chr8:143,924,390, G>A on the plus strand (C>T on the coding strand, the complement: PLEC is on the minus strand). VCF-style: chr8-143924390-G-A. GRCh37 (hg19) VCF-style: chr8-144998558-G-A.
Other names: c.5620C>T, p.Arg1874Trp (NM_000445.5); c.5497C>T, p.Arg1833Trp (NM_201378.4); c.5473C>T, p.Arg1825Trp (NM_201379.3); c.5950C>T, p.Arg1984Trp (NM_201380.4); c.5443C>T, p.Arg1815Trp (NM_201381.3); c.5539C>T, p.Arg1847Trp (NM_201382.4); c.5551C>T, p.Arg1851Trp (NM_201383.3); short protein forms R1815W, R1825W, R1833W, R1847W, R1851W, R1874W, R1984W.
Identifiers: ClinVar variation 1000595 (VCV001000595.5), dbSNP rs1421391265, ClinGen allele CA372544075.

ClinVar aggregate classification (germline): Uncertain significance (1 of 4 stars; one submission).

Conditions:
Epidermolysis bullosa simplex 5B, with muscular dystrophy (EBS5B). Also called: Epidermolysis bullosa simplex with muscular dystrophy; EPIDERMOLYSIS BULLOSA SIMPLEX AND LIMB-GIRDLE MUSCULAR DYSTROPHY. Identifiers: Orphanet 257, MedGen C2931072, MONDO:0009181, OMIM 226670.
Epidermolysis bullosa simplex, Ogna type (EBS5A). Also called: Pidermolysis bullosa simplex 5A, Ogna type; EPIDERMOLYSIS BULLOSA SIMPLEX 5A, OGNA TYPE. Identifiers: Orphanet 79401, MedGen C0432317, MONDO:0007555, OMIM 131950.
Epidermolysis bullosa simplex 5C, with pyloric atresia (EBS5C). Also called: PLEC-Related Epidermolysis Bullosa with Pyloric Atresia; Epidermolysis bullosa simplex with pyloric atresia; PLEC1-Related Epidermolysis Bullosa with Pyloric Atresia. Identifiers: Orphanet 158684, MedGen C2677349, MONDO:0012807, OMIM 612138.
Autosomal recessive limb-girdle muscular dystrophy type 2Q (LGMDR17). Also called: MUSCULAR DYSTROPHY, LIMB-GIRDLE, AUTOSOMAL RECESSIVE 17. Identifiers: Orphanet 254361, MedGen C3150989, MONDO:0013390, OMIM 613723.
Epidermolysis bullosa simplex with nail dystrophy (EBS5D). Identifiers: MedGen C4225309, MONDO:0014661, OMIM 616487.

Allele frequency attached by ClinVar (database versions not stated): gnomAD 0.00001; gnomAD exomes 0.00001; TOPMed 0.00002.
gnomAD v4.1: 34 of 1,594,888 alleles (0.0021%); highest among the groups gnomAD compares: Non-Finnish European, 0.0026%; no homozygotes.

Submission:

Labcorp Genetics (formerly Invitae), Labcorp
Classification: Uncertain significance for Autosomal recessive limb-girdle muscular dystrophy type 2Q; Epidermolysis bullosa simplex, Ogna type; Epidermolysis bullosa simplex with nail dystrophy; Epidermolysis bullosa simplex 5C, with pyloric atresia; Epidermolysis bullosa simplex 5B, with muscular dystrophy. Last evaluated: 2025-11-09. Review status: criteria provided, single submitter. Criteria: Invitae Variant Classification Sherloc (09022015). Collection method: clinical testing. Allele origin: germline.
Comment: This sequence change replaces arginine, which is basic and polar, with tryptophan, which is neutral and slightly polar, at codon 1874 of the PLEC protein (p.Arg1874Trp). The frequency data for this variant in the population databases is considered unreliable, as metrics indicate poor data quality at this position in the gnomAD database. This missense change has been observed in individual(s) with limb-girdle muscular dystrophy (internal data). ClinVar contains an entry for this variant (Variation ID: 1000595). Experimental studies and prediction algorithms are not available or were not evaluated, and the functional significance of this variant is currently unknown. In summary, the available evidence is currently insufficient to determine the role of this variant in disease. Therefore, it has been classified as a Variant of Uncertain Significance.